The following is an entry in ClinVar:

NM_001267550.2(TTN):c.76341G>A (p.Val25447=)

Genes: TTN (titin; minus strand), TTN-AS1 (TTN antisense RNA 1; plus strand). Cytogenetic location: 2q31.2.
Variant type: single nucleotide variant.
Coding change: c.76341G>A on transcript NM_001267550.2 (MANE Select); coding-DNA position 76341, G replaced by A.
Protein change: p.Val25447=; no amino-acid change (valine 25447 retained).
Molecular consequence: synonymous variant.
Genome position (GRCh38, 1-based): chr2:178,569,791, C>T on the plus strand (G>A on the coding strand, the complement: TTN is on the minus strand). VCF-style: chr2-178569791-C-T. GRCh37 (hg19) VCF-style: chr2-179434518-C-T.
Other names: c.71418G>A, p.Val23806= (NM_001256850.1); c.49146G>A, p.Val16382= (NM_003319.4); c.68637G>A, p.Val22879= (NM_133378.4); c.49521G>A, p.Val16507= (NM_133432.3); c.49722G>A, p.Val16574= (NM_133437.4).
Identifiers: ClinVar variation 517776 (VCV000517776.2), dbSNP rs1367546444, ClinGen allele CA430254432.

ClinVar aggregate classification (germline): Likely benign. Review status: criteria provided, multiple submitters, no conflicts (2 of 4 stars). 2 submissions from 2 submitters: Likely benign (2). Last evaluated 2025-08-24.

Conditions:
Cardiovascular phenotype. Identifiers: MedGen CN230736.

Allele frequency attached by ClinVar (database versions not stated): gnomAD exomes below 0.00001.
gnomAD v4.1: 2 of 1,613,270 alleles (0.00012%); highest among the groups gnomAD compares: African/African-American, 0.0027%; no homozygotes.

Submissions (2):

Ambry Genetics
Classification: Likely benign for Cardiovascular phenotype. Last evaluated: 2025-08-24. Review status: criteria provided, single submitter. Criteria: Ambry Variant Classification Scheme 2023. Collection method: clinical testing. Allele origin: germline.

GeneDx
Classification: Likely benign. Last evaluated: 2017-03-01. Review status: criteria provided, single submitter. Criteria: GeneDx Variant Classification (06012015). Collection method: clinical testing. Allele origin: germline. Affected: yes.
Comment: This variant is considered likely benign or benign based on one or more of the following criteria: it is a conservative change, it occurs at a poorly conserved position in the protein, it is predicted to be benign by multiple in silico algorithms, and/or has population frequency not consistent with disease.